The following is an entry in ClinVar:

NM_024422.6(DSC2):c.2149G>A (p.Gly717Arg)

Gene: DSC2 (desmocollin 2; minus strand). Cytogenetic location: 18q12.1.
Variant type: single nucleotide variant.
Coding change: c.2149G>A on transcript NM_024422.6 (MANE Select); coding-DNA position 2149, G replaced by A.
Protein change: p.Gly717Arg; replaces glycine 717 with arginine.
Molecular consequence: missense variant.
Genome position (GRCh38, 1-based): chr18:31,070,827, C>T on the plus strand (G>A on the coding strand, the complement: DSC2 is on the minus strand). VCF-style: chr18-31070827-C-T. GRCh37 (hg19) VCF-style: chr18-28650793-C-T.
Other names: c.1720G>A, p.Gly574Arg (NM_001406506.1, NM_001406507.1); c.2149G>A, p.Gly717Arg (NM_004949.5); short protein forms G574R, G717R.
Identifiers: ClinVar variation 3386515 (VCV003386515.2).

ClinVar aggregate classification (germline): Uncertain significance. Review status: criteria provided, multiple submitters, no conflicts (2 of 4 stars). 2 submissions from 2 submitters: Uncertain significance (2). Last evaluated 2025-08-19.

Conditions:
Familial isolated arrhythmogenic right ventricular dysplasia. Identifiers: Orphanet 217656, MedGen C4274968, MONDO:0016342.
Arrhythmogenic right ventricular dysplasia 11. Also called: ARRHYTHMOGENIC RIGHT VENTRICULAR DYSPLASIA, FAMILIAL, 11; Arrhythmogenic Right Ventricular Dysplasia/Cardiomyopathy11; Arrhythmogenic right ventricular dysplasia 11 with mild palmoplantar keratoderma and woolly hair. Identifiers: MedGen C1864850, MONDO:0012506, OMIM 610476.

gnomAD v4.1: 2 of 1,613,826 alleles (0.00012%); highest among the groups gnomAD compares: African/African-American, 0.0027%; no homozygotes.

Submissions (2):

Labcorp Genetics (formerly Invitae), Labcorp
Classification: Uncertain significance for Arrhythmogenic right ventricular dysplasia 11. Last evaluated: 2025-08-19. Review status: criteria provided, single submitter. Criteria: Invitae Variant Classification Sherloc (09022015). Collection method: clinical testing. Allele origin: germline.
Comment: This sequence change replaces glycine, which is neutral and non-polar, with arginine, which is basic and polar, at codon 717 of the DSC2 protein (p.Gly717Arg). This variant is not present in population databases (gnomAD no frequency). This variant has not been reported in the literature in individuals affected with DSC2-related conditions. ClinVar contains an entry for this variant (Variation ID: 3386515). Invitae Evidence Modeling of protein sequence and biophysical properties (such as structural, functional, and spatial information, amino acid conservation, physicochemical variation, residue mobility, and thermodynamic stability) has been performed for this missense variant. However, the output from this modeling did not meet the statistical confidence thresholds required to predict the impact of this variant on DSC2 protein function. In summary, the available evidence is currently insufficient to determine the role of this variant in disease. Therefore, it has been classified as a Variant of Uncertain Significance.

All of Us Research Program, National Institutes of Health
Classification: Uncertain significance for Familial isolated arrhythmogenic right ventricular dysplasia. Last evaluated: 2024-03-05. Review status: criteria provided, single submitter. Criteria: ACMG Guidelines, 2015. Collection method: clinical testing. Allele origin: germline. Inheritance: Autosomal dominant inheritance. Observed: 1 variant allele, 1 heterozygote.
Comment: This study involves interpretation of variants in research participants for the purpose of population health screening. Participant phenotype was not available at the time of variant classification. Additional details can be found in publication PMID: 35346344, PMCID: PMC8962531